The following is an entry in ClinVar:

ClinVar aggregate classification (germline): Uncertain significance (1 of 4 stars; one submission).

Conditions:
SCAPER-related disorder. Also called: SCAPER-related condition.

Submission:

PreventionGenetics, part of Exact Sciences
Classification: Uncertain significance for SCAPER-related condition. Last evaluated: 2025-08-22. Review status: criteria provided, single submitter. Criteria: ACMG Guidelines, 2015. Collection method: clinical testing. Allele origin: germline.
Comment: The SCAPER c.4198T>C variant is predicted to result in the amino acid substitution p.Phe1400Leu. To our knowledge, this variant has not been reported in the literature or in a large population database (gnomAD), indicating this variant is rare. At this time, the clinical significance of this variant is uncertain due to the absence of conclusive functional and genetic evidence.

NM_020843.4(SCAPER):c.4180T>C (p.Phe1394Leu)

Gene: SCAPER (S-phase cyclin A associated protein in the ER; minus strand). Cytogenetic location: 15q24.3.
Variant type: single nucleotide variant.
Coding change: c.4180T>C on transcript NM_020843.4 (MANE Select); coding-DNA position 4180, T replaced by C.
Protein change: p.Phe1394Leu; replaces phenylalanine 1394 with leucine.
Molecular consequence: missense variant. On other transcripts: non-coding transcript variant (1).
Genome position (GRCh38, 1-based): chr15:76,348,656, A>G on the plus strand (T>C on the coding strand, the complement: SCAPER is on the minus strand). VCF-style: chr15-76348656-A-G. GRCh37 (hg19) VCF-style: chr15-76640997-A-G.
Other names: c.3442T>C, p.Phe1148Leu (NM_001145923.2); c.4198T>C, p.Phe1400Leu (NM_001353009.2); c.3778T>C, p.Phe1260Leu (NM_001353010.2, NM_001353012.2); c.3796T>C, p.Phe1266Leu (NM_001353011.2); short protein forms F1148L, F1394L, F1400L, F1260L, F1266L.
Identifiers: ClinVar variation 4999936 (VCV004999936.1).
Genomic context (GRCh38, chr15:76,348,656, plus strand): 5'-TAACAAGGGTACTCAAATACAGAATCAACCAAAACATTTATTTTTTCTCTTTTTTCAAGA[A>G]AAACTGTCGAGCTTCTTCCCAGGCCTGCTGAGGAAATCTGTTAGCCAGCTCAAGATAGTC-3'
Protein context (NP_065894.2, residues 1384-1400): QQAWEEARQF[Phe1394Leu]LKKEKK